The following is an entry in ClinVar:

ClinVar aggregate classification (germline): Likely benign (1 of 4 stars; one submission).

Allele frequency attached by ClinVar (database versions not stated): gnomAD exomes below 0.00001; 1000 Genomes Project 0.00020.
gnomAD v4.1: 2 of 1,531,504 alleles (0.00013%); highest among the groups gnomAD compares: Non-Finnish European, 0.00017%; no homozygotes.

Submission:

CeGaT Center for Human Genetics Tuebingen
Classification: Likely benign. Last evaluated: 2024-11-01. Review status: criteria provided, single submitter. Criteria: CeGaT Center For Human Genetics Tuebingen Variant Classification Criteria Version 2. Collection method: clinical testing. Allele origin: germline. Affected: yes. Observed: 1 variant allele.
Comment: MAGEL2: BP4, BP7

NM_019066.5(MAGEL2):c.453C>T (p.His151=)

Gene: MAGEL2 (MAGE family member L2; minus strand). Cytogenetic location: 15q11.2.
Variant type: single nucleotide variant.
Coding change: c.453C>T on transcript NM_019066.5 (MANE Select); coding-DNA position 453, C replaced by T.
Protein change: p.His151=; no amino-acid change (histidine 151 retained).
Molecular consequence: synonymous variant.
Genome position (GRCh38, 1-based): chr15:23,647,290, G>A on the plus strand (C>T on the coding strand, the complement: MAGEL2 is on the minus strand). VCF-style: chr15-23647290-G-A. GRCh37 (hg19) VCF-style: chr15-23892437-G-A.
Identifiers: ClinVar variation 2645003 (VCV002645003.24), dbSNP rs530410281, ClinGen allele CA267661566.